The following is an entry in ClinVar:

ClinVar aggregate classification (germline): Uncertain significance (1 of 4 stars; one submission).

Conditions:
Cardiomyopathy (CMYO). Also called: Cardiomyopathies. Identifiers: Orphanet 167848, MedGen C0878544, MONDO:0004994, HP:0001638. Inheritance: Various modes of inheritance.

Allele frequency attached by ClinVar (database versions not stated): gnomAD exomes below 0.00001; TOPMed below 0.00001; ExAC 0.00001.
gnomAD v4.1: 2 of 1,614,080 alleles (0.00012%); highest among the groups gnomAD compares: Non-Finnish European, 0.00017%; no homozygotes.

Submission:

All of Us Research Program, National Institutes of Health
Classification: Uncertain significance for Cardiomyopathy. Last evaluated: 2023-05-04. Review status: criteria provided, single submitter. Criteria: ACMG Guidelines, 2015. Collection method: clinical testing. Allele origin: germline. Inheritance: Autosomal dominant inheritance. Observed: 1 variant allele, 1 heterozygote.
Comment: This missense variant replaces alanine with threonine at codon 990 of the MYH7 protein. Computational prediction suggests that this variant may not impact protein structure and function (internally defined REVEL score threshold <= 0.5, PMID: 27666373). To our knowledge, functional studies have not been reported for this variant. This variant has not been reported in individuals affected with cardiovascular disorders in the literature. This variant has been identified in 1/251494 chromosomes in the general population by the Genome Aggregation Database (gnomAD). The available evidence is insufficient to determine the role of this variant in disease conclusively. Therefore, this variant is classified as a Variant of Uncertain Significance.

This study involves interpretation of variants in research participants for the purpose of population health screening. Participant phenotype was not available at the time of variant classification. Additional details can be found in publication PMID: 35346344, PMCID: PMC8962531

NM_000257.4(MYH7):c.2968G>A (p.Ala990Thr)

Gene: MYH7 (myosin heavy chain 7; minus strand). Cytogenetic location: 14q11.2.
Variant type: single nucleotide variant.
Coding change: c.2968G>A on transcript NM_000257.4 (MANE Select); coding-DNA position 2968, G replaced by A.
Protein change: p.Ala990Thr; replaces alanine 990 with threonine.
Molecular consequence: missense variant.
Genome position (GRCh38, 1-based): chr14:23,423,678, C>T on the plus strand (G>A on the coding strand, the complement: MYH7 is on the minus strand). VCF-style: chr14-23423678-C-T. GRCh37 (hg19) VCF-style: chr14-23892887-C-T.
Other names: c.2968G>A (LRG_384t1); short protein forms A990T.
Identifiers: ClinVar variation 312904 (VCV000312904.7), dbSNP rs753137666, ClinGen allele CA035008.